The following is an entry in ClinVar:

ClinVar aggregate classification (germline): Conflicting classifications of pathogenicity. Review status: criteria provided, conflicting classifications (1 of 4 stars). 8 submissions from 8 submitters: Uncertain significance (2); Likely benign (4). 2 of the submissions do not count toward it. Last evaluated 2026-01-07.

Conditions:
WFS1-related disorder. Identifiers: MedGen CN379391, MONDO:0700293.

Allele frequency attached by ClinVar (database versions not stated): gnomAD 0.00009; TOPMed 0.00011; gnomAD exomes 0.00023; ExAC 0.00034.
gnomAD v4.1: 83 of 1,571,074 alleles (0.0053%); highest among the groups gnomAD compares: East Asian, 0.094%; 1 homozygote.

Submissions (8):

Labcorp Genetics (formerly Invitae), Labcorp
Classification: Likely benign. Last evaluated: 2026-01-07. Review status: criteria provided, single submitter. Criteria: Invitae Variant Classification Sherloc (09022015). Collection method: clinical testing. Allele origin: germline.

PreventionGenetics, part of Exact Sciences
Classification: Likely benign for WFS1-related condition. Last evaluated: 2024-12-18. Review status: criteria provided, single submitter. Criteria: ACMG Guidelines, 2015. Collection method: clinical testing. Allele origin: germline.
Comment: This variant is classified as likely benign based on ACMG/AMP sequence variant interpretation guidelines (Richards et al. 2015 PMID: 25741868, with internal and published modifications).

Blueprint Genetics
Classification: Likely benign. Last evaluated: 2024-09-20. Review status: criteria provided, single submitter. Criteria: ACMG Guidelines, 2015. Collection method: clinical testing. Allele origin: germline.

ARUP Laboratories, Molecular Genetics and Genomics, ARUP Laboratories
Classification: Uncertain significance. Last evaluated: 2021-09-03. Review status: criteria provided, single submitter. Criteria: ARUP Molecular Germline Variant Investigation Process 2021. Collection method: clinical testing. Allele origin: germline.

GeneDx
Classification: Likely benign. Last evaluated: 2020-10-22. Review status: criteria provided, single submitter. Criteria: GeneDx Variant Classification Process June 2021. Collection method: clinical testing. Allele origin: germline. Affected: yes.
Comment: This variant is associated with the following publications: (PMID: 11161832, 20972738)

Eurofins Ntd Llc (ga)
Classification: Uncertain significance. Last evaluated: 2017-12-12. Review status: criteria provided, single submitter. Criteria: EGL Classification Definitions 2015. Collection method: clinical testing. Allele origin: germline. Observed: 1 variant allele, 1 heterozygote.

Clinical Genetics DNA and cytogenetics Diagnostics Lab, Erasmus MC, Erasmus Medical Center
Classification: Uncertain significance. Review status: no assertion criteria provided. Collection method: clinical testing. Allele origin: germline. Affected: yes. Study: VKGL Data-share Consensus. Not counted in ClinVar's aggregate classification.

Laboratory of Diagnostic Genome Analysis, Leiden University Medical Center (LUMC)
Classification: Uncertain significance. Review status: no assertion criteria provided. Collection method: clinical testing. Allele origin: germline. Affected: yes. Study: VKGL Data-share Consensus. Not counted in ClinVar's aggregate classification.

NM_006005.3(WFS1):c.173C>T (p.Ala58Val)

Gene: WFS1 (wolframin ER transmembrane glycoprotein; plus strand). Cytogenetic location: 4p16.1.
Variant type: single nucleotide variant.
Coding change: c.173C>T on transcript NM_006005.3 (MANE Select); coding-DNA position 173, C replaced by T.
Protein change: p.Ala58Val; replaces alanine 58 with valine.
Molecular consequence: missense variant.
Genome position (GRCh38, 1-based): chr4:6,277,628, C>T. VCF-style: chr4-6277628-C-T. GRCh37 (hg19) VCF-style: chr4-6279355-C-T.
Other names: c.173C>T, p.Ala58Val (NM_001145853.1); short protein forms A58V.
Identifiers: ClinVar variation 516852 (VCV000516852.27), dbSNP rs369671890, ClinGen allele CA2838811.